The following is an entry in ClinVar:

NM_006019.4(TCIRG1):c.904G>A (p.Val302Met)

Gene: TCIRG1 (T cell immune regulator 1, ATPase H+ transporting V0 subunit a3; plus strand). Cytogenetic location: 11q13.2.
Variant type: single nucleotide variant.
Coding change: c.904G>A on transcript NM_006019.4 (MANE Select); coding-DNA position 904, G replaced by A.
Protein change: p.Val302Met; replaces valine 302 with methionine.
Molecular consequence: missense variant.
Genome position (GRCh38, 1-based): chr11:68,044,228, G>A. VCF-style: chr11-68044228-G-A. GRCh37 (hg19) VCF-style: chr11-67811695-G-A.
Other names: c.10G>A, p.Val4Met (NM_001351059.2); c.256G>A, p.Val86Met (NM_006053.4); short protein forms V302M, V86M, V4M.
Identifiers: ClinVar variation 305792 (VCV000305792.6), dbSNP rs540235063, ClinGen allele CA6146846.

ClinVar aggregate classification (germline): Uncertain significance. Review status: criteria provided, multiple submitters, no conflicts (2 of 4 stars). 2 submissions from 2 submitters: Uncertain significance (2). Last evaluated 2022-06-20.

Conditions:
Autosomal recessive osteopetrosis 1. Also called: ALBERS-SCHONBERG DISEASE, AUTOSOMAL RECESSIVE; TCIRG1-Related Osteopetrosis; TCIRG1-Related Autosomal Recessive Osteopetrosis. Identifiers: Orphanet 667, MedGen C1850127, MONDO:0009815, OMIM 259700.

Allele frequency attached by ClinVar (database versions not stated): gnomAD exomes 0.00004; TOPMed 0.00005; gnomAD 0.00009 and 0.00010; ExAC 0.00019; 1000 Genomes Project 0.00020; 1000 Genomes Project 30x 0.00031.
gnomAD v4.1: 25 of 1,588,328 alleles (0.0016%); highest among the groups gnomAD compares: African/African-American, 0.02%; no homozygotes.

Submissions (2):

Labcorp Genetics (formerly Invitae), Labcorp
Classification: Uncertain significance. Last evaluated: 2022-06-20. Review status: criteria provided, single submitter. Criteria: Invitae Variant Classification Sherloc (09022015). Collection method: clinical testing. Allele origin: germline.
Comment: This sequence change replaces valine, which is neutral and non-polar, with methionine, which is neutral and non-polar, at codon 302 of the TCIRG1 protein (p.Val302Met). The frequency data for this variant in the population databases is considered unreliable, as metrics indicate poor data quality at this position in the gnomAD database. This variant has not been reported in the literature in individuals affected with TCIRG1-related conditions. ClinVar contains an entry for this variant (Variation ID: 305792). Algorithms developed to predict the effect of missense changes on protein structure and function are either unavailable or do not agree on the potential impact of this missense change (SIFT: "Deleterious"; PolyPhen-2: "Probably Damaging"; Align-GVGD: "Class C0"). In summary, the available evidence is currently insufficient to determine the role of this variant in disease. Therefore, it has been classified as a Variant of Uncertain Significance.

Illumina Laboratory Services, Illumina
Classification: Uncertain significance for Autosomal recessive osteopetrosis 1. Last evaluated: 2018-01-12. Review status: criteria provided, single submitter. Criteria: ICSL Variant Classification Criteria 13 December 2019. Collection method: clinical testing. Allele origin: germline.